The following is an entry in ClinVar:

NM_006846.4(SPINK5):c.1216TTC[1] (p.Phe407del)

Gene: SPINK5 (serine peptidase inhibitor Kazal type 5; plus strand). Cytogenetic location: 5q32.
Variant type: Microsatellite.
Coding change: c.1216TTC[1] on transcript NM_006846.4 (MANE Select); one copy of the 3-base unit TTC starting at c.1216.
Protein change: p.Phe407del; deletes phenylalanine 407.
Molecular consequence: inframe deletion.
Genome position: GRCh38 VCF-style: chr5-148100574-GTCT-G. GRCh37 (hg19) VCF-style: chr5-147480137-GTCT-G.
Other names: c.1216TTC[1], p.Phe407del (NM_001127698.2, NM_001127699.2); short protein forms F407del.
Identifiers: ClinVar variation 1057170 (VCV001057170.8), dbSNP rs2113117124, ClinGen allele CA2578443466.

ClinVar aggregate classification (germline): Uncertain significance (1 of 4 stars; one submission).

Conditions:
Netherton syndrome (NETH). Also called: COMEL-NETHERTON SYNDROME; NETHERTON DISEASE; ERYTHRODERMA, ICHTHYOSIFORM, WITH HYPOTRICHOSIS AND HYPER-IgE. Identifiers: Orphanet 634, MedGen C5574950, MONDO:0009735, OMIM 256500.

Submission:

Labcorp Genetics (formerly Invitae), Labcorp
Classification: Uncertain significance for Ichthyosis linearis circumflexa. Last evaluated: 2022-04-16. Review status: criteria provided, single submitter. Criteria: Invitae Variant Classification Sherloc (09022015). Collection method: clinical testing. Allele origin: germline.
Comment: This variant, c.1218_1220del, results in the deletion of 1 amino acid(s) of the SPINK5 protein (p.Phe407del), but otherwise preserves the integrity of the reading frame. This variant is not present in population databases (gnomAD no frequency). This variant has not been reported in the literature in individuals affected with SPINK5-related conditions. Algorithms developed to predict the effect of sequence changes on RNA splicing suggest that this variant may disrupt the consensus splice site. In summary, the available evidence is currently insufficient to determine the role of this variant in disease. Therefore, it has been classified as a Variant of Uncertain Significance.